The following is an entry in ClinVar:

NM_021098.3(CACNA1H):c.3931A>G (p.Ile1311Val)

Gene: CACNA1H (calcium voltage-gated channel subunit alpha1 H; plus strand). Cytogenetic location: 16p13.3.
Variant type: single nucleotide variant.
Coding change: c.3931A>G on transcript NM_021098.3 (MANE Select); coding-DNA position 3931, A replaced by G.
Protein change: p.Ile1311Val; replaces isoleucine 1311 with valine.
Molecular consequence: missense variant.
Genome position (GRCh38, 1-based): chr16:1,210,455, A>G. VCF-style: chr16-1210455-A-G. GRCh37 (hg19) VCF-style: chr16-1260455-A-G.
Other names: c.3931A>G, p.Ile1311Val (NM_001005407.2); short protein forms I1311V.
Identifiers: ClinVar variation 460100 (VCV000460100.9), dbSNP rs754671059, ClinGen allele CA7801021.

ClinVar aggregate classification (germline): Uncertain significance. Review status: criteria provided, multiple submitters, no conflicts (2 of 4 stars). 2 submissions from 2 submitters: Uncertain significance (2). Last evaluated 2025-07-05.

Conditions:
Hyperaldosteronism, familial, type IV (HALD4). Also called: FH IV; ALDOSTERONISM, PRIMARY, AND HYPERTENSION. Identifiers: Orphanet 642671, MedGen C4310756, MONDO:0014875, OMIM 617027.
Idiopathic generalized epilepsy. Also called: EIG; Generalised epilepsy. Identifiers: MedGen C0270850, MONDO:0005579, OMIM 600669.
Epilepsy, childhood absence, susceptibility to, 6. Identifiers: Orphanet 64280, MedGen C2749872, MONDO:0012763, OMIM 611942.

Allele frequency attached by ClinVar (database versions not stated): ExAC 0.00002; gnomAD exomes 0.00002; TOPMed 0.00004; gnomAD 0.00005 and 0.00006.
gnomAD v4.1: 19 of 1,610,738 alleles (0.0012%); highest among the groups gnomAD compares: Admixed American, 0.012%; no homozygotes.

Submissions (2):

Labcorp Genetics (formerly Invitae), Labcorp
Classification: Uncertain significance for Idiopathic generalized epilepsy; Hyperaldosteronism, familial, type IV. Last evaluated: 2025-07-05. Review status: criteria provided, single submitter. Criteria: Invitae Variant Classification Sherloc (09022015). Collection method: clinical testing. Allele origin: germline.
Comment: This sequence change replaces isoleucine, which is neutral and non-polar, with valine, which is neutral and non-polar, at codon 1311 of the CACNA1H protein (p.Ile1311Val). This variant is present in population databases (rs754671059, gnomAD 0.009%). This variant has not been reported in the literature in individuals affected with CACNA1H-related conditions. ClinVar contains an entry for this variant (Variation ID: 460100). Invitae Evidence Modeling of protein sequence and biophysical properties (such as structural, functional, and spatial information, amino acid conservation, physicochemical variation, residue mobility, and thermodynamic stability) has been performed for this missense variant. However, the output from this modeling did not meet the statistical confidence thresholds required to predict the impact of this variant on CACNA1H protein function. In summary, the available evidence is currently insufficient to determine the role of this variant in disease. Therefore, it has been classified as a Variant of Uncertain Significance.

Fulgent Genetics
Classification: Uncertain significance for Epilepsy, childhood absence, susceptibility to, 6; Hyperaldosteronism, familial, type IV. Last evaluated: 2024-02-20. Review status: criteria provided, single submitter. Criteria: ACMG Guidelines, 2015. Collection method: clinical testing. Allele origin: germline.